The following is an entry in ClinVar:

ClinVar aggregate classification (germline): Likely benign. Review status: criteria provided, multiple submitters, no conflicts (2 of 4 stars). 2 submissions from 2 submitters: Likely benign (2). Last evaluated 2018-01-13.

Conditions:
Refsum disease, classic. Also called: HEREDOPATHIA ATACTICA POLYNEURITIFORMIS; HMSN IV; PHYTANIC ACID OXIDASE DEFICIENCY; PHYH-Related Refsum Disease. Identifiers: Orphanet 773, MedGen C5780941, MONDO:1060256, OMIM 266500. Disease mechanism: loss of function.

Allele frequency attached by ClinVar (database versions not stated): gnomAD exomes 0.00293 and 0.00277; 1000 Genomes Project 30x 0.00031; 1000 Genomes Project 0.00040; TOPMed 0.00204; ExAC 0.00317; gnomAD 0.00352 and 0.00370; ESP Exome Variant Server 0.00331.
gnomAD v4.1: 4,417 of 1,569,420 alleles (0.28%); highest among the groups gnomAD compares: Non-Finnish European, 0.33%; 26 homozygotes.

Submissions (2):

Illumina Laboratory Services, Illumina
Classification: Likely benign for Refsum disease, classic. Last evaluated: 2018-01-13. Review status: criteria provided, single submitter. Criteria: ICSL Variant Classification Criteria 13 December 2019. Collection method: clinical testing. Allele origin: germline.
Comment: This variant was observed in the ICSL laboratory as part of a predisposition screen in an ostensibly healthy population. It had not been previously curated by ICSL or reported in the Human Gene Mutation Database (HGMD: prior to June 1st, 2018), and was therefore a candidate for classification through an automated scoring system. Utilizing variant allele frequency, disease prevalence and penetrance estimates, and inheritance mode, an automated score was calculated to assess if this variant is too frequent to cause the disease. Based on the score and internal cut-off values, a variant classified as likely benign is not then subjected to further curation. The score for this variant resulted in a classification of likely benign for this disease.

Breakthrough Genomics
Classification: Likely benign. Review status: criteria provided, single submitter. Criteria: ACMG Guidelines, 2015. Collection method: not provided. Allele origin: germline. Inheritance: Autosomal recessive inheritance. Affected: yes.

NM_006214.4(PHYH):c.*22T>G

Gene: PHYH (phytanoyl-CoA 2-hydroxylase; minus strand). Cytogenetic location: 10p13.
Variant type: single nucleotide variant.
Coding change: c.*22T>G on transcript NM_006214.4 (MANE Select); 22 bases downstream of the stop codon, T replaced by G.
Molecular consequence: 3 prime UTR variant.
Genome position (GRCh38, 1-based): chr10:13,278,279, A>C on the plus strand (T>G on the coding strand, the complement: PHYH is on the minus strand). VCF-style: chr10-13278279-A-C. GRCh37 (hg19) VCF-style: chr10-13320279-A-C.
Other names: c.*22T>G (NM_001037537.2, NM_001323080.2, NM_001323082.2 and 2 more transcripts).
Identifiers: ClinVar variation 299242 (VCV000299242.6), dbSNP rs186628076, ClinGen allele CA5412165.